The following is an entry in ClinVar:

NM_014055.4(IFT81):c.1001A>G (p.Asn334Ser)

Gene: IFT81 (intraflagellar transport 81; plus strand). Cytogenetic location: 12q24.11.
Variant type: single nucleotide variant.
Coding change: c.1001A>G on transcript NM_014055.4 (MANE Select); coding-DNA position 1001, A replaced by G.
Protein change: p.Asn334Ser; replaces asparagine 334 with serine.
Molecular consequence: missense variant. On other transcripts: non-coding transcript variant (4).
Genome position (GRCh38, 1-based): chr12:110,147,008, A>G. VCF-style: chr12-110147008-A-G. GRCh37 (hg19) VCF-style: chr12-110584813-A-G.
Other names: c.1001A>G (NM_014055.3); c.1001A>G, p.Asn334Ser (NM_001143779.2, NM_001347946.2, NM_031473.4); c.71A>G, p.Asn24Ser (NM_001347947.2, NM_001347948.2); short protein forms N334S, N24S.
Identifiers: ClinVar variation 1369783 (VCV001369783.9), dbSNP rs574257417, ClinGen allele CA6783237.

ClinVar aggregate classification (germline): Uncertain significance. Review status: criteria provided, multiple submitters, no conflicts (2 of 4 stars). 2 submissions from 2 submitters: Uncertain significance (2). Last evaluated 2025-01-10.

Conditions:
Inborn genetic diseases. Identifiers: MedGen C0950123, MeSH D030342.

Allele frequency attached by ClinVar (database versions not stated): TOPMed 0.00001; ExAC 0.00002; gnomAD exomes 0.00002 and 0.00003; gnomAD 0.00004 and 0.00005; 1000 Genomes Project 0.00020; 1000 Genomes Project 30x 0.00031.
gnomAD v4.1: 36 of 1,612,110 alleles (0.0022%); highest among the groups gnomAD compares: Non-Finnish European, 0.0018%; no homozygotes.

Submissions (3):

Ambry Genetics
Classification: Uncertain significance for Inborn genetic diseases. Last evaluated: 2025-01-10. Review status: criteria provided, single submitter. Criteria: Ambry Variant Classification Scheme 2023. Collection method: clinical testing. Allele origin: germline.

Labcorp Genetics (formerly Invitae), Labcorp
Classification: Uncertain significance. Last evaluated: 2023-12-11. Review status: criteria provided, single submitter. Criteria: Invitae Variant Classification Sherloc (09022015). Collection method: clinical testing. Allele origin: germline.
Comment: This sequence change replaces asparagine, which is neutral and polar, with serine, which is neutral and polar, at codon 334 of the IFT81 protein (p.Asn334Ser). This variant is present in population databases (rs574257417, gnomAD 0.03%). This variant has not been reported in the literature in individuals affected with IFT81-related conditions. ClinVar contains an entry for this variant (Variation ID: 1369783). Advanced modeling of protein sequence and biophysical properties (such as structural, functional, and spatial information, amino acid conservation, physicochemical variation, residue mobility, and thermodynamic stability) performed at Invitae indicates that this missense variant is not expected to disrupt IFT81 protein function with a negative predictive value of 80%. In summary, the available evidence is currently insufficient to determine the role of this variant in disease. Therefore, it has been classified as a Variant of Uncertain Significance.

Dr. Peter K. Rogan Lab, Western University
No classification provided (evidence only). Condition: Sarcoma. Review status: no classification provided. Collection method: in vitro. Allele origin: not applicable. Functional consequence: retained intron. Not counted in ClinVar's aggregate classification.